The following is an entry in ClinVar:

NM_001374736.1(DST):c.12043A>G (p.Ile4015Val)

Gene: DST (dystonin; minus strand). Cytogenetic location: 6p12.1.
Variant type: single nucleotide variant.
Coding change: c.12043A>G on transcript NM_001374736.1 (MANE Select); coding-DNA position 12043, A replaced by G.
Protein change: p.Ile4015Val; replaces isoleucine 4015 with valine.
Molecular consequence: missense variant.
Genome position (GRCh38, 1-based): chr6:56,597,892, T>C on the plus strand (A>G on the coding strand, the complement: DST is on the minus strand). VCF-style: chr6-56597892-T-C. GRCh37 (hg19) VCF-style: chr6-56462690-T-C.
Other names: c.5686A>G, p.Ile1896Val (NM_001144769.5); c.5272A>G, p.Ile1758Val (NM_001144770.2); c.12043A>G, p.Ile4015Val (NM_001374722.1); c.11410A>G, p.Ile3804Val (NM_001374729.1); c.5152A>G, p.Ile1718Val (NM_001374730.1, NM_183380.4); c.12070A>G, p.Ile4024Val (NM_001374734.1); c.4174A>G, p.Ile1392Val (NM_015548.5); short protein forms I3804V, I4024V, I1392V, I1758V, I1718V, I1896V, I4015V.
Identifiers: ClinVar variation 966778 (VCV000966778.8), dbSNP rs201249286, ClinGen allele CA364528610.

ClinVar aggregate classification (germline): Uncertain significance (1 of 4 stars; one submission).

Conditions:
Hereditary sensory and autonomic neuropathy type 6. Also called: Neuropathy, hereditary sensory and autonomic, type VI; HSAN VI. Identifiers: Orphanet 314381, MedGen C3539003, MONDO:0013839, OMIM 614653.
Epidermolysis bullosa simplex 3, localized or generalized intermediate, with BP230 deficiency (EBS3). Also called: Epidermolysis bullosa simplex, autosomal recessive 2; Epidermolysis bullosa simplex due to BP230 deficiency. Identifiers: Orphanet 412181, MedGen C3809470, MONDO:0014180, OMIM 615425.

gnomAD v4.1: 4 of 1,613,714 alleles (0.00025%); highest among the groups gnomAD compares: Non-Finnish European, 0.00017%; no homozygotes.

Submission:

Labcorp Genetics (formerly Invitae), Labcorp
Classification: Uncertain significance for Epidermolysis bullosa simplex 3, localized or generalized intermediate, with BP230 deficiency; Hereditary sensory and autonomic neuropathy type 6. Last evaluated: 2019-09-19. Review status: criteria provided, single submitter. Criteria: Invitae Variant Classification Sherloc (09022015). Collection method: clinical testing. Allele origin: germline.
Comment: In summary, the available evidence is currently insufficient to determine the role of this variant in disease. Therefore, it has been classified as a Variant of Uncertain Significance. Algorithms developed to predict the effect of missense changes on protein structure and function are either unavailable or do not agree on the potential impact of this missense change (SIFT: "Tolerated"; PolyPhen-2: "Not Available"; Align-GVGD: "Class C0"). This variant has not been reported in the literature in individuals with DST-related conditions. This variant is not present in population databases (ExAC no frequency). This sequence change replaces isoleucine with valine at codon 1392 of the DST protein (p.Ile1392Val). The isoleucine residue is weakly conserved and there is a small physicochemical difference between isoleucine and valine. The DST gene has multiple clinically relevant isoforms. The p.Ile1392Val variant occurs in alternate transcript NM_015548.4, which corresponds to c.*17625A>G in NM_001723.5, the primary transcript listed in the Methods.